The following is an entry in ClinVar:

ClinVar aggregate classification (germline): Uncertain significance (1 of 4 stars; one submission).

Allele frequency attached by ClinVar (database versions not stated): gnomAD exomes below 0.00001 and 0.00001; ExAC 0.00002.
gnomAD v4.1: 3 of 1,613,982 alleles (0.00019%); highest among the groups gnomAD compares: South Asian, 0.0033%; no homozygotes.

Submission:

Labcorp Genetics (formerly Invitae), Labcorp
Classification: Uncertain significance. Last evaluated: 2024-03-15. Review status: criteria provided, single submitter. Criteria: Invitae Variant Classification Sherloc (09022015). Collection method: clinical testing. Allele origin: germline.
Comment: This sequence change replaces isoleucine, which is neutral and non-polar, with valine, which is neutral and non-polar, at codon 1745 of the ABCA4 protein (p.Ile1745Val). This variant is present in population databases (rs775593910, gnomAD 0.003%). This variant has not been reported in the literature in individuals affected with ABCA4-related conditions. ClinVar contains an entry for this variant (Variation ID: 1047295). Advanced modeling of protein sequence and biophysical properties (such as structural, functional, and spatial information, amino acid conservation, physicochemical variation, residue mobility, and thermodynamic stability) has been performed at Invitae for this missense variant, however the output from this modeling did not meet the statistical confidence thresholds required to predict the impact of this variant on ABCA4 protein function. In summary, the available evidence is currently insufficient to determine the role of this variant in disease. Therefore, it has been classified as a Variant of Uncertain Significance.

NM_000350.3(ABCA4):c.5233A>G (p.Ile1745Val)

Gene: ABCA4 (ATP binding cassette subfamily A member 4; minus strand). Cytogenetic location: 1p22.1.
Variant type: single nucleotide variant.
Coding change: c.5233A>G on transcript NM_000350.3 (MANE Select); coding-DNA position 5233, A replaced by G.
Protein change: p.Ile1745Val; replaces isoleucine 1745 with valine.
Molecular consequence: missense variant.
Genome position (GRCh38, 1-based): chr1:94,015,818, T>C on the plus strand (A>G on the coding strand, the complement: ABCA4 is on the minus strand). VCF-style: chr1-94015818-T-C. GRCh37 (hg19) VCF-style: chr1-94481374-T-C.
Other names: c.5011A>G, p.Ile1671Val (NM_001425324.1); short protein forms I1745V, I1671V.
Identifiers: ClinVar variation 1047295 (VCV001047295.10), dbSNP rs775593910, ClinGen allele CA957339.